The following is an entry in ClinVar:

ClinVar aggregate classification (germline): Uncertain significance (1 of 4 stars; one submission).

Conditions:
Malignant hyperthermia, susceptibility to, 5 (MHS5). Also called: CACNA1S-Related Malignant Hyperthermia Susceptibility. Identifiers: Orphanet 423, MedGen C1866077, MONDO:0011163, OMIM 601887.

gnomAD v4.1: 1 of 1,614,076 alleles (0.000062%); highest among the groups gnomAD compares: Non-Finnish European, 0.000085%; no homozygotes.

Submission:

Color Diagnostics, LLC DBA Color Health
Classification: Uncertain significance for Malignant hyperthermia, susceptibility to, 5. Last evaluated: 2025-09-22. Review status: criteria provided, single submitter. Criteria: ACMG Guidelines, 2015. Collection method: clinical testing. Allele origin: germline.
Comment: This missense variant replaces glycine with alanine at codon 85 of the CACNA1S protein. Computational prediction suggests that this variant may not impact protein structure and function. To our knowledge, functional studies have not been reported for this variant. This variant has not been reported in individuals affected with CACNA1S-related disorders in the literature. This variant has not been identified in the general population by the Genome Aggregation Database (gnomAD). The available evidence is insufficient to determine the role of this variant in disease conclusively. Therefore, this variant is classified as a Variant of Uncertain Significance.

NM_000069.3(CACNA1S):c.254G>C (p.Gly85Ala)

Gene: CACNA1S (calcium voltage-gated channel subunit alpha1 S; minus strand). Cytogenetic location: 1q32.1.
Variant type: single nucleotide variant.
Coding change: c.254G>C on transcript NM_000069.3 (MANE Select); coding-DNA position 254, G replaced by C.
Protein change: p.Gly85Ala; replaces glycine 85 with alanine.
Molecular consequence: missense variant.
Genome position (GRCh38, 1-based): chr1:201,110,168, C>G on the plus strand (G>C on the coding strand, the complement: CACNA1S is on the minus strand). VCF-style: chr1-201110168-C-G. GRCh37 (hg19) VCF-style: chr1-201079296-C-G.
Other names: short protein forms G85A.
Identifiers: ClinVar variation 4756516 (VCV004756516.1).